The following is an entry in ClinVar:

ClinVar aggregate classification (germline): Uncertain significance (1 of 4 stars; one submission).

Allele frequency attached by ClinVar (database versions not stated): TOPMed below 0.00001; gnomAD 0.00001 and 0.00002; gnomAD exomes 0.00001; ExAC 0.00002.
gnomAD v4.1: 17 of 1,590,576 alleles (0.0011%); highest among the groups gnomAD compares: Non-Finnish European, 0.0014%; no homozygotes.

Submission:

Labcorp Genetics (formerly Invitae), Labcorp
Classification: Uncertain significance. Last evaluated: 2025-02-10. Review status: criteria provided, single submitter. Criteria: Invitae Variant Classification Sherloc (09022015). Collection method: clinical testing. Allele origin: germline.
Comment: This sequence change falls in intron 18 of the KIAA0753 gene. It does not directly change the encoded amino acid sequence of the KIAA0753 protein. It affects a nucleotide within the consensus splice site. This variant is present in population databases (rs771581575, gnomAD 0.003%). This variant has not been reported in the literature in individuals affected with KIAA0753-related conditions. ClinVar contains an entry for this variant (Variation ID: 1524184). Variants that disrupt the consensus splice site are a relatively common cause of aberrant splicing (PMID: 17576681, 9536098). Algorithms developed to predict the effect of sequence changes on RNA splicing suggest that this variant is not likely to affect RNA splicing. In summary, the available evidence is currently insufficient to determine the role of this variant in disease. Therefore, it has been classified as a Variant of Uncertain Significance.

Literature cited by the submitters: PubMed 17576681; PubMed 9536098.

NM_014804.3(KIAA0753):c.2786+3C>T

Gene: KIAA0753 (KIAA0753; minus strand). Cytogenetic location: 17p13.1.
Variant type: single nucleotide variant.
Coding change: c.2786+3C>T on transcript NM_014804.3 (MANE Select); 3 bases into the intron after coding-DNA position 2786, C replaced by T.
Molecular consequence: intron variant.
Genome position (GRCh38, 1-based): chr17:6,589,776, G>A on the plus strand (C>T on the coding strand, the complement: KIAA0753 is on the minus strand). VCF-style: chr17-6589776-G-A. GRCh37 (hg19) VCF-style: chr17-6493096-G-A.
Other names: c.1889+3C>T (NM_001351225.2).
Identifiers: ClinVar variation 1524184 (VCV001524184.5), dbSNP rs771581575, ClinGen allele CA8330052.
Genomic context (GRCh38, chr17:6,589,776, plus strand): 5'-TTTTTCTAAGTCTAAAATTTTGCAATTTGGTTCCTAAACAGAGGACCGTAACATTTTACT[G>A]ACCTTTCAGCTATCAGCCACGGGTTGAAGGAGCCTACAGCCTCATGAGATATGATCCGAA-3'